The following is an entry in ClinVar:

ClinVar aggregate classification (germline): Uncertain significance. Review status: criteria provided, multiple submitters, no conflicts (2 of 4 stars). 4 submissions from 4 submitters: Uncertain significance (4). Last evaluated 2026-01-02.

Conditions:
Inborn genetic diseases. Identifiers: MedGen C0950123, MeSH D030342.

Allele frequency attached by ClinVar (database versions not stated): gnomAD 0.00002 and 0.00003; TOPMed 0.00002; gnomAD exomes 0.00004 and 0.00005; ExAC 0.00008; ESP Exome Variant Server 0.00017.
gnomAD v4.1: 58 of 1,543,698 alleles (0.0038%); highest among the groups gnomAD compares: South Asian, 0.0049%; no homozygotes.

Submissions (4):

Labcorp Genetics (formerly Invitae), Labcorp
Classification: Uncertain significance. Last evaluated: 2026-01-02. Review status: criteria provided, single submitter. Criteria: Invitae Variant Classification Sherloc (09022015). Collection method: clinical testing. Allele origin: germline.
Comment: This sequence change replaces arginine, which is basic and polar, with cysteine, which is neutral and slightly polar, at codon 198 of the DNA2 protein (p.Arg198Cys). The frequency data for this variant in the population databases is considered unreliable, as metrics indicate poor data quality at this position in the gnomAD database. This variant has not been reported in the literature in individuals affected with DNA2-related conditions. ClinVar contains an entry for this variant (Variation ID: 450350). Invitae Evidence Modeling of protein sequence and biophysical properties (such as structural, functional, and spatial information, amino acid conservation, physicochemical variation, residue mobility, and thermodynamic stability) indicates that this missense variant is not expected to disrupt DNA2 protein function with a negative predictive value of 80%. In summary, the available evidence is currently insufficient to determine the role of this variant in disease. Therefore, it has been classified as a Variant of Uncertain Significance.

Ambry Genetics
Classification: Uncertain significance for Inborn genetic diseases. Last evaluated: 2024-08-12. Review status: criteria provided, single submitter. Criteria: Ambry Variant Classification Scheme 2023. Collection method: clinical testing. Allele origin: germline.

CeGaT Center for Human Genetics Tuebingen
Classification: Uncertain significance. Last evaluated: 2019-07-01. Review status: criteria provided, single submitter. Criteria: CeGaT Center For Human Genetics Tuebingen Variant Classification Criteria Version 2. Collection method: clinical testing. Allele origin: germline. Affected: yes. Observed: 3 variant alleles.

GeneDx
Classification: Uncertain significance. Last evaluated: 2018-04-04. Review status: criteria provided, single submitter. Criteria: GeneDx Variant Classification (06012015). Collection method: clinical testing. Allele origin: germline. Affected: yes.
Comment: The R198C variant has not been published as a pathogenic variant, nor has it been reported as a benign variant to our knowledge. The R198C variant is not observed at a significant frequency in large population cohorts (Lek et al., 2016; 1000 Genomes Consortium et al., 2015; Exome Variant Server). The R198C variant is a non-conservative amino acid substitution, which is likely to impact secondary protein structure as these residues differ in polarity, charge, size and/or other properties. This substitution occurs at a position that is not conserved. In silico analysis predicts this variant is probably damaging to the protein structure/function. In summary, based on the currently available information, it is unclear whether this variant is a pathogenic variant or a rare benign variant.

NM_001080449.3(DNA2):c.592C>T (p.Arg198Cys)

Gene: DNA2 (DNA replication helicase/nuclease 2; minus strand). Cytogenetic location: 10q21.3.
Variant type: single nucleotide variant.
Coding change: c.592C>T on transcript NM_001080449.3 (MANE Select); coding-DNA position 592, C replaced by T.
Protein change: p.Arg198Cys; replaces arginine 198 with cysteine.
Molecular consequence: missense variant. On other transcripts: non-coding transcript variant (1).
Genome position (GRCh38, 1-based): chr10:68,459,231, G>A on the plus strand (C>T on the coding strand, the complement: DNA2 is on the minus strand). VCF-style: chr10-68459231-G-A. GRCh37 (hg19) VCF-style: chr10-70218988-G-A.
Other names: short protein forms R198C.
Identifiers: ClinVar variation 450350 (VCV000450350.50), dbSNP rs376070435, ClinGen allele CA5525252.